The following is an entry in ClinVar:

ClinVar aggregate classification (germline): Uncertain significance (1 of 4 stars; one submission).

gnomAD v4.1: 1 of 1,604,326 alleles (0.000062%); highest among the groups gnomAD compares: Non-Finnish European, 0.000085%; no homozygotes.

Submission:

CeGaT Center for Human Genetics Tuebingen
Classification: Uncertain significance. Last evaluated: 2025-05-01. Review status: criteria provided, single submitter. Criteria: CeGaT Center For Human Genetics Tuebingen Variant Classification Criteria Version 2. Collection method: clinical testing. Allele origin: germline. Affected: yes. Observed: 1 variant allele.
Comment: ATP6V0A1: PM2, PP3

NM_001130021.3(ATP6V0A1):c.213G>C (p.Glu71Asp)

Gene: ATP6V0A1 (ATPase H+ transporting V0 subunit a1; plus strand). Cytogenetic location: 17q21.2.
Variant type: single nucleotide variant.
Coding change: c.213G>C on transcript NM_001130021.3 (MANE Select); coding-DNA position 213, G replaced by C.
Protein change: p.Glu71Asp; replaces glutamic acid 71 with aspartic acid.
Molecular consequence: missense variant.
Genome position (GRCh38, 1-based): chr17:42,468,026, G>C. VCF-style: chr17-42468026-G-C. GRCh37 (hg19) VCF-style: chr17-40620044-G-C.
Other names: c.213G>C, p.Glu71Asp (NM_001378557.1, NM_005177.5, NM_001130020.3 and 25 more transcripts); c.33G>C, p.Glu11Asp (NM_001378543.1, NM_001378549.1); short protein forms E11D, E71D.
Identifiers: ClinVar variation 3905928 (VCV003905928.10).